The following is an entry in ClinVar:

ClinVar aggregate classification (germline): Uncertain significance. Review status: criteria provided, multiple submitters, no conflicts (2 of 4 stars). 3 submissions from 3 submitters: Uncertain significance (3). Last evaluated 2025-08-05.

Conditions:
Inborn genetic diseases. Identifiers: MedGen C0950123, MeSH D030342.
3-hydroxy-3-methylglutaryl-CoA synthase deficiency (HMGCS2D). Also called: MITOCHONDRIAL HMG-CoA SYNTHASE DEFICIENCY; HMGCS2 DEFICIENCY; HMG-CoA synthase-2 deficiency. Identifiers: Orphanet 35701, MedGen C2751532, MONDO:0011614, OMIM 605911.

Allele frequency attached by ClinVar (database versions not stated): gnomAD 0.00017 and 0.00018.
gnomAD v4.1: 403 of 1,612,954 alleles (0.025%); highest among the groups gnomAD compares: Non-Finnish European, 0.031%; no homozygotes.

Submissions (3):

Ambry Genetics
Classification: Uncertain significance for Inborn genetic diseases. Last evaluated: 2025-08-05. Review status: criteria provided, single submitter. Criteria: Ambry Variant Classification Scheme 2023. Collection method: clinical testing. Allele origin: germline.

Labcorp Genetics (formerly Invitae), Labcorp
Classification: Uncertain significance for 3-hydroxy-3-methylglutaryl-CoA synthase deficiency. Last evaluated: 2022-08-16. Review status: criteria provided, single submitter. Criteria: Invitae Variant Classification Sherloc (09022015). Collection method: clinical testing. Allele origin: germline.
Comment: This sequence change replaces arginine, which is basic and polar, with glycine, which is neutral and non-polar, at codon 92 of the HMGCS2 protein (p.Arg92Gly). This variant is present in population databases (rs771955824, gnomAD 0.02%). This variant has not been reported in the literature in individuals affected with HMGCS2-related conditions. ClinVar contains an entry for this variant (Variation ID: 1695847). Algorithms developed to predict the effect of missense changes on protein structure and function (SIFT, PolyPhen-2, Align-GVGD) all suggest that this variant is likely to be tolerated. Algorithms developed to predict the effect of sequence changes on RNA splicing suggest that this variant may create or strengthen a splice site. In summary, the available evidence is currently insufficient to determine the role of this variant in disease. Therefore, it has been classified as a Variant of Uncertain Significance.

GeneDx
Classification: Uncertain significance. Last evaluated: 2022-07-08. Review status: criteria provided, single submitter. Criteria: GeneDx Variant Classification Process June 2021. Collection method: clinical testing. Allele origin: germline. Affected: yes.
Comment: Missense variants in this gene are often considered pathogenic (HGMD); In silico analysis supports that this missense variant has a deleterious effect on protein structure/function; Has not been previously published as pathogenic or benign to our knowledge

NM_005518.4(HMGCS2):c.274C>G (p.Arg92Gly)

Gene: HMGCS2 (3-hydroxy-3-methylglutaryl-CoA synthase 2; minus strand). Cytogenetic location: 1p12.
Variant type: single nucleotide variant.
Coding change: c.274C>G on transcript NM_005518.4 (MANE Select); coding-DNA position 274, C replaced by G.
Protein change: p.Arg92Gly; replaces arginine 92 with glycine.
Molecular consequence: missense variant.
Genome position (GRCh38, 1-based): chr1:119,764,457, G>C on the plus strand (C>G on the coding strand, the complement: HMGCS2 is on the minus strand). VCF-style: chr1-119764457-G-C. GRCh37 (hg19) VCF-style: chr1-120307080-G-C.
Other names: c.274C>G, p.Arg92Gly (NM_001166107.1); short protein forms R92G.
Identifiers: ClinVar variation 1695847 (VCV001695847.6), dbSNP rs771955824, ClinGen allele CA1037919.